The following is an entry in ClinVar:

NM_152564.5(VPS13B):c.1762del (p.Ser588fs)

Gene: VPS13B (vacuolar protein sorting 13 homolog B; plus strand). Cytogenetic location: 8q22.2.
Variant type: Deletion.
Coding change: c.1762del on transcript NM_152564.5 (MANE Select); coding-DNA position 1762, one base deleted (A; older notation c.1762delA).
Protein change: p.Ser588fs; shifts the reading frame from serine 588.
Molecular consequence: frameshift variant.
Genome position (GRCh38, 1-based): chr8:99,143,084, A deleted. VCF-style (leftmost placement, unchanged base first): chr8-99143083-TA-T. GRCh37 (hg19) VCF-style: chr8-100155311-TA-T.
Other names: c.1762del, p.Ser588fs (NM_015243.3, NM_017890.5); short protein forms S588fs.
Identifiers: ClinVar variation 1427433 (VCV001427433.6), dbSNP rs2132581325, ClinGen allele CA2573143567.

ClinVar aggregate classification (germline): Pathogenic (1 of 4 stars; one submission).

Conditions:
Cohen syndrome (COH1). Also called: Cutis verticis gyrata, retinitis pigmentosa, and sensorineural deafness; PEPPER SYNDROME. Identifiers: Orphanet 193, MedGen C0265223, MONDO:0008999, OMIM 216550.

Submission:

Labcorp Genetics (formerly Invitae), Labcorp
Classification: Pathogenic for Cohen syndrome. Last evaluated: 2021-03-02. Review status: criteria provided, single submitter. Criteria: Invitae Variant Classification Sherloc (09022015). Collection method: clinical testing. Allele origin: germline.
Comment: This sequence change creates a premature translational stop signal (p.Ser588Alafs*8) in the VPS13B gene. It is expected to result in an absent or disrupted protein product. Loss-of-function variants in VPS13B are known to be pathogenic (PMID: 15141358, 16648375, 20461111). This variant is not present in population databases (ExAC no frequency). This variant has not been reported in the literature in individuals with VPS13B-related conditions. For these reasons, this variant has been classified as Pathogenic.

Literature cited by the submitters: PubMed 15141358; PubMed 16648375; PubMed 20461111.